The following is an entry in ClinVar:

ClinVar aggregate classification (germline): Pathogenic (1 of 4 stars; one submission).

Submission:

Centre of Medical Genetics, University Hospital Muenster
Classification: Pathogenic. Last evaluated: 2025-05-15. Review status: criteria provided, single submitter. Criteria: ACMG Guidelines, 2015. Collection method: clinical testing. Allele origin: unknown. Affected: yes. Observed: 1 variant allele, 1 heterozygote.
Comment: ACMG categories: PVS1,PM2

NM_001414.4(EIF2B1):c.552-2A>T

Gene: EIF2B1 (eukaryotic translation initiation factor 2B subunit alpha; minus strand). Cytogenetic location: 12q24.31.
Variant type: single nucleotide variant.
Coding change: c.552-2A>T on transcript NM_001414.4 (MANE Select); the canonical splice acceptor site of the intron before coding-DNA position 552, A replaced by T.
Molecular consequence: splice acceptor variant.
Genome position (GRCh38, 1-based): chr12:123,624,864, T>A on the plus strand (A>T on the coding strand, the complement: EIF2B1 is on the minus strand). VCF-style: chr12-123624864-T-A. GRCh37 (hg19) VCF-style: chr12-124109411-T-A.
Identifiers: ClinVar variation 4526364 (VCV004526364.1).
Genomic context (GRCh38, chr12:123,624,864, plus strand): 5'-CGTTTTCAACAACTCCTTCAGCACCAACTATGACAAGATCTGCTTTCTCCATGATGTAGC[T>A]AAGGGGAAAAAAAGCTTTTCATGCTTTATTTTCTTGGCTCTAACGAGTAGCATCATCATC-3'